The following is an entry in ClinVar:

NM_001164665.2(KIAA1549):c.4367G>T (p.Gly1456Val)

Gene: KIAA1549 (KIAA1549; minus strand). Cytogenetic location: 7q34.
Variant type: single nucleotide variant.
Coding change: c.4367G>T on transcript NM_001164665.2 (MANE Select); coding-DNA position 4367, G replaced by T.
Protein change: p.Gly1456Val; replaces glycine 1456 with valine.
Molecular consequence: missense variant.
Genome position (GRCh38, 1-based): chr7:138,871,341, C>A on the plus strand (G>T on the coding strand, the complement: KIAA1549 is on the minus strand). VCF-style: chr7-138871341-C-A. GRCh37 (hg19) VCF-style: chr7-138556087-C-A.
Other names: c.4367G>T, p.Gly1456Val (NM_020910.3); short protein forms G1456V.
Identifiers: ClinVar variation 1438712 (VCV001438712.7), dbSNP rs375185179, ClinGen allele CA4505921.

ClinVar aggregate classification (germline): Uncertain significance (1 of 4 stars; one submission).

Allele frequency attached by ClinVar (database versions not stated): gnomAD exomes below 0.00001 and 0.00002; ExAC 0.00004; TOPMed 0.00004; gnomAD 0.00005 and 0.00006; ESP Exome Variant Server 0.00016.
gnomAD v4.1: 15 of 1,563,486 alleles (0.00096%); highest among the groups gnomAD compares: African/African-American, 0.016%; no homozygotes.

Submission:

Labcorp Genetics (formerly Invitae), Labcorp
Classification: Uncertain significance. Last evaluated: 2024-10-25. Review status: criteria provided, single submitter. Criteria: Invitae Variant Classification Sherloc (09022015). Collection method: clinical testing. Allele origin: germline.
Comment: This sequence change replaces glycine, which is neutral and non-polar, with valine, which is neutral and non-polar, at codon 1456 of the KIAA1549 protein (p.Gly1456Val). This variant is present in population databases (rs375185179, gnomAD 0.03%). This variant has not been reported in the literature in individuals affected with KIAA1549-related conditions. ClinVar contains an entry for this variant (Variation ID: 1438712). An algorithm developed to predict the effect of missense changes on protein structure and function (PolyPhen-2) suggests that this variant is likely to be disruptive. In summary, the available evidence is currently insufficient to determine the role of this variant in disease. Therefore, it has been classified as a Variant of Uncertain Significance.